The following is an entry in ClinVar:

NM_018718.3(CEP41):c.953A>C (p.Gln318Pro)

Gene: CEP41 (centrosomal protein 41; minus strand). Cytogenetic location: 7q32.2.
Variant type: single nucleotide variant.
Coding change: c.953A>C on transcript NM_018718.3 (MANE Select); coding-DNA position 953, A replaced by C.
Protein change: p.Gln318Pro; replaces glutamine 318 with proline.
Molecular consequence: missense variant. On other transcripts: non-coding transcript variant (1), intron variant (2).
Genome position (GRCh38, 1-based): chr7:130,400,059, T>G on the plus strand (A>C on the coding strand, the complement: CEP41 is on the minus strand). VCF-style: chr7-130400059-T-G. GRCh37 (hg19) VCF-style: chr7-130039900-T-G.
Other names: c.709+648A>C (NM_001257159.2); c.757+648A>C (NM_001257158.2); short protein forms Q318P.
Identifiers: ClinVar variation 1346007 (VCV001346007.8), dbSNP rs2117551648, ClinGen allele CA369286934.

ClinVar aggregate classification (germline): Uncertain significance (1 of 4 stars; one submission).

Conditions:
Joubert syndrome 15 (JBTS15). Identifiers: Orphanet 475, MedGen C3280897, MONDO:0013763, OMIM 614464.

Submission:

Labcorp Genetics (formerly Invitae), Labcorp
Classification: Uncertain significance for Joubert syndrome 15. Last evaluated: 2021-04-16. Review status: criteria provided, single submitter. Criteria: Invitae Variant Classification Sherloc (09022015). Collection method: clinical testing. Allele origin: germline.
Comment: In summary, the available evidence is currently insufficient to determine the role of this variant in disease. Therefore, it has been classified as a Variant of Uncertain Significance. Algorithms developed to predict the effect of missense changes on protein structure and function (SIFT, PolyPhen-2, Align-GVGD) all suggest that this variant is likely to be tolerated, but these predictions have not been confirmed by published functional studies and their clinical significance is uncertain. This variant has not been reported in the literature in individuals with CEP41-related conditions. This variant is not present in population databases (ExAC no frequency). This sequence change replaces glutamine with proline at codon 318 of the CEP41 protein (p.Gln318Pro). The glutamine residue is highly conserved and there is a moderate physicochemical difference between glutamine and proline.